The following is an entry in ClinVar:

NM_001347721.2(DYRK1A):c.542_545del (p.Ile181fs)

Gene: DYRK1A (dual specificity tyrosine phosphorylation regulated kinase 1A; plus strand). Cytogenetic location: 21q22.13.
Variant type: Deletion.
Coding change: c.542_545del on transcript NM_001347721.2 (MANE Select); coding-DNA positions 542 to 545, 4 bases deleted (TAAA; older notation c.542_545delTAAA).
Protein change: p.Ile181fs; shifts the reading frame from isoleucine 181.
Molecular consequence: frameshift variant.
Genome position (GRCh38, 1-based): chr21:37,486,519-37,486,522, TAAA deleted; deleting any 4 consecutive bases within chr21:37,486,517-37,486,522 gives the same sequence; the c. name uses the placement nearest the transcript's 3' end. VCF-style (leftmost placement, unchanged base first): chr21-37486516-TAATA-T. GRCh37 (hg19) VCF-style: chr21-38858818-TAATA-T.
Other names: c.542_545del, p.Ile181fs (NM_001347722.2, NM_130436.2); c.455_458del, p.Ile152fs (NM_001347723.2); c.569_572del, p.Ile190fs (NM_001396.5, NM_101395.2, NM_130438.2); short protein forms I152fs, I190fs, I181fs.
Identifiers: ClinVar variation 502025 (VCV000502025.12), dbSNP rs1555982601, ClinGen allele CA658799434.

ClinVar aggregate classification (germline): Pathogenic. Review status: criteria provided, multiple submitters, no conflicts (2 of 4 stars). 4 submissions from 4 submitters: Pathogenic (4). Last evaluated 2020-11-10.

Conditions:
DYRK1A-related intellectual disability syndrome (MRD7). Also called: DYRK1A Syndrome; Intellectual developmental disorder, autosomal dominant 7. Identifiers: Orphanet 464306, MedGen C5568143, MONDO:0013578, OMIM 614104.

Submissions (4):

Labcorp Genetics (formerly Invitae), Labcorp
Classification: Pathogenic for DYRK1A-related intellectual disability syndrome. Last evaluated: 2020-11-10. Review status: criteria provided, single submitter. Criteria: Invitae Variant Classification Sherloc (09022015). Collection method: clinical testing. Allele origin: germline.
Comment: For these reasons, this variant has been classified as Pathogenic. This variant has not been reported in the literature in individuals with DYRK1A-related conditions. ClinVar contains an entry for this variant (Variation ID: 502025). This variant is not present in population databases (ExAC no frequency). This sequence change creates a premature translational stop signal (p.Ile190Argfs*7) in the DYRK1A gene. It is expected to result in an absent or disrupted protein product. Loss-of-function variants in DYRK1A are known to be pathogenic (PMID: 25944381).

GeneDx
Classification: Pathogenic. Last evaluated: 2018-08-29. Review status: criteria provided, single submitter. Criteria: GeneDx Variant Classification (06012015). Collection method: clinical testing. Allele origin: germline. Affected: yes.
Comment: The c.569_572delTAAA variant in the DYRK1A gene has not been reported previously as a pathogenic variant nor as a benign variant, to our knowledge. The c.569_572delTAAA variant causes a frameshift starting with codon Isoleucine 190, changes this amino acid to an Arginine residue, and creates a premature Stop codon at position 7 of the new reading frame, denoted p.Ile190ArgfsX7. This variant is predicted to cause loss of normal protein function either through protein truncation or nonsense-mediated mRNA decay. The c.569_572delTAAA variant is not observed in large population cohorts (Lek et al., 2016). We interpret c.569_572delTAAA as a pathogenic variant.

Eurofins Ntd Llc (ga)
Classification: Pathogenic. Last evaluated: 2017-06-07. Review status: criteria provided, single submitter. Criteria: EGL Classification Definitions 2015. Collection method: clinical testing. Allele origin: germline. Observed: 1 variant allele, 1 heterozygote.

Neuberg Centre For Genomic Medicine, NCGM
Classification: Pathogenic for DYRK1A-related intellectual disability syndrome. Review status: criteria provided, single submitter. Criteria: ACMG Guidelines, 2015. Collection method: clinical testing. Allele origin: germline. Inheritance: Autosomal dominant inheritance. Affected: yes.
Comment: The frameshift deletion p.I181Rfs*7 in DYRK1A (NM_001347721.2) has been previously reported in individuals affected with Mental retardation 7 disorder (Méjécase et al, 2021). The p.I181Rfs*7 variant is novel (not in any individuals) in gnomAD Exomes and is novel (not in any individuals) in 1000 Genomes. This variant is predicted to cause loss of normal protein function through protein truncation. Loss of function variants have been previously reported to be disease causing. This variant causes a frameshift starting with codon Isoleucine 190, changes this amino acid to Arginine residue, and creates a premature Stop codon at position 7 of the new reading frame, denoted p.Ile190ArgfsTer7. For these reasons, this variant has been classified as Pathogenic.

Literature cited by the submitters: PubMed 25944381 (cited by Labcorp Genetics (formerly Invitae), Labcorp).